The following is an entry in ClinVar:

NM_007118.4(TRIO):c.1554C>T (p.Pro518=)

Gene: TRIO (trio Rho guanine nucleotide exchange factor; plus strand). Cytogenetic location: 5p15.2.
Variant type: single nucleotide variant.
Coding change: c.1554C>T on transcript NM_007118.4 (MANE Select); coding-DNA position 1554, C replaced by T.
Protein change: p.Pro518=; no amino-acid change (proline 518 retained).
Molecular consequence: synonymous variant. On other transcripts: non-coding transcript variant (1).
Genome position (GRCh38, 1-based): chr5:14,316,566, C>T. VCF-style: chr5-14316566-C-T. GRCh37 (hg19) VCF-style: chr5-14316675-C-T.
Identifiers: ClinVar variation 1695121 (VCV001695121.31), dbSNP rs767860634, ClinGen allele CA3205671.
Genomic context (GRCh38, chr5:14,316,566, plus strand): 5'-TGGGCAGGTCAGCCAAGATGGGAAGTCGCTCCTTGACAAGCTCCAGCGGCCCTTGACTCC[C>T]GGCAGCTCCGATTCCCTGACAGCCTCTGCCAACTACTCCAAGGCCGTGCACCATGTCCTG-3'
Protein context (NP_009049.2, residues 508-528): LLDKLQRPLT[Pro518=]GSSDSLTASA

ClinVar aggregate classification (germline): Likely benign (1 of 4 stars; one submission).

Allele frequency attached by ClinVar (database versions not stated): gnomAD 0.00002; TOPMed 0.00003; gnomAD exomes 0.00004; ExAC 0.00007.
gnomAD v4.1: 42 of 1,614,068 alleles (0.0026%); highest among the groups gnomAD compares: East Asian, 0.016%; 1 homozygote.

Submission:

CeGaT Center for Human Genetics Tuebingen
Classification: Likely benign. Last evaluated: 2022-05-01. Review status: criteria provided, single submitter. Criteria: CeGaT Center For Human Genetics Tuebingen Variant Classification Criteria Version 2. Collection method: clinical testing. Allele origin: germline. Affected: yes. Observed: 1 variant allele.
Comment: TRIO: BP4, BP7